The following is an entry in ClinVar:

ClinVar aggregate classification (germline): Conflicting classifications of pathogenicity. Review status: criteria provided, conflicting classifications (1 of 4 stars). 5 submissions from 5 submitters: Likely pathogenic (1); Uncertain significance (4). Last evaluated 2025-10-14.

Conditions:
Cardiac arrhythmia. Also called: Arrhythmia; Cardiac rhythm disease. Identifiers: MedGen C0003811, MONDO:0007263, HP:0011675.
Long QT syndrome (LQTS). Identifiers: MedGen C0023976, MeSH D008133, MONDO:0002442. Disease mechanism: loss of function. Inheritance: Various modes of inheritance.
Long QT syndrome 2 (LQT2). Identifiers: Orphanet 101016, Orphanet 768, MedGen C3150943, MONDO:0013367, OMIM 613688.
Cardiovascular phenotype. Identifiers: MedGen CN230736.

Allele frequency attached by ClinVar (database versions not stated): gnomAD exomes below 0.00001 and 0.00001; gnomAD 0.00001; TOPMed 0.00001; ExAC 0.00002.
gnomAD v4.1: 6 of 1,614,096 alleles (0.00037%); highest among the groups gnomAD compares: South Asian, 0.0011%; no homozygotes.

Submissions (5):

Color Diagnostics, LLC DBA Color Health
Classification: Uncertain significance for Cardiac arrhythmia. Last evaluated: 2025-10-14. Review status: criteria provided, single submitter. Criteria: ACMG Guidelines, 2015. Collection method: clinical testing. Allele origin: germline.
Comment: This missense variant replaces arginine with histidine at codon 685 of the KCNH2 protein. Computational prediction suggests that this variant may have deleterious impact on protein structure and function. To our knowledge, functional studies have not been reported for this variant. This variant has been reported in an individual affected with long QT syndrome (PMID: 23174487). This variant has been identified in 6/1614096 chromosomes in the general population by the Genome Aggregation Database (gnomAD). The available evidence is insufficient to determine the role of this variant in disease conclusively. Therefore, this variant is classified as a Variant of Uncertain Significance.

Labcorp Genetics (formerly Invitae), Labcorp
Classification: Uncertain significance for Long QT syndrome. Last evaluated: 2025-09-14. Review status: criteria provided, single submitter. Criteria: Invitae Variant Classification Sherloc (09022015). Collection method: clinical testing. Allele origin: germline.
Comment: This sequence change replaces arginine, which is basic and polar, with histidine, which is basic and polar, at codon 685 of the KCNH2 protein (p.Arg685His). This variant is present in population databases (rs758751607, gnomAD 0.003%). This missense change has been observed in individual(s) with long QT syndrome (PMID: 23174487). ClinVar contains an entry for this variant (Variation ID: 979129). An algorithm developed to predict the effect of missense changes on protein structure and function (PolyPhen-2) suggests that this variant is likely to be disruptive. In summary, the available evidence is currently insufficient to determine the role of this variant in disease. Therefore, it has been classified as a Variant of Uncertain Significance.

Ambry Genetics
Classification: Uncertain significance for Cardiovascular phenotype. Last evaluated: 2022-02-25. Review status: criteria provided, single submitter. Criteria: Ambry Variant Classification Scheme 2023. Collection method: clinical testing. Allele origin: germline.
Comment: The p.R685H variant (also known as c.2054G>A), located in coding exon 8 of the KCNH2 gene, results from a G to A substitution at nucleotide position 2054. The arginine at codon 685 is replaced by histidine, an amino acid with highly similar properties. This alteration was reported in two individuals from the International LQTS Registry, however clinical details were limited (Mullally J et al. Heart Rhythm, 2013 Mar;10:378-82). This amino acid position is highly conserved in available vertebrate species. In addition, this alteration is predicted to be deleterious by in silico analysis. Since supporting evidence is limited at this time, the clinical significance of this alteration remains unclear.

Human Genome Sequencing Center Clinical Lab, Baylor College of Medicine
Classification: Uncertain significance for Long QT syndrome 2. Review status: criteria provided, single submitter. Criteria: ACMG Guidelines, 2015. Collection method: clinical testing. Allele origin: germline.

Juno Genomics, Hangzhou Juno Genomics, Inc
Classification: Likely pathogenic for Long QT syndrome 2. Review status: criteria provided, single submitter. Criteria: ACMG Guidelines, 2015. Collection method: clinical testing. Allele origin: germline.
Comment: Absent from controls (or at extremely low frequency if recessive) in Genome Aggregation Database.;Multiple lines of computational evidence support a deleterious effect on the gene or gene product.;Missense variant in a gene that has a low rate of benign missense variation.;The prevalence of the variant in affected individuals is significantly increased compared to the prevalence in controls.;Patient's phenotype or family history is highly specific for a disease with a single genetic etiology.

Literature cited by the submitters: PubMed 23174487 (cited by 3 submitters).

NM_000238.4(KCNH2):c.2054G>A (p.Arg685His)

Gene: KCNH2 (potassium voltage-gated channel subfamily H member 2; minus strand). Cytogenetic location: 7q36.1.
Variant type: single nucleotide variant.
Coding change: c.2054G>A on transcript NM_000238.4 (MANE Select); coding-DNA position 2054, G replaced by A.
Protein change: p.Arg685His; replaces arginine 685 with histidine.
Molecular consequence: missense variant.
Genome position (GRCh38, 1-based): chr7:150,951,012, C>T on the plus strand (G>A on the coding strand, the complement: KCNH2 is on the minus strand). VCF-style: chr7-150951012-C-T. GRCh37 (hg19) VCF-style: chr7-150648100-C-T.
Other names: c.1034G>A, p.Arg345His (NM_001204798.2, NM_172057.3); c.1766G>A, p.Arg589His (NM_001406753.1, NM_001406756.1); c.1877G>A, p.Arg626His (NM_001406755.1); c.1754G>A, p.Arg585His (NM_001406757.1); c.2054G>A, p.Arg685His (NM_172056.3); short protein forms R345H, R685H, R589H, R626H, R585H.
Identifiers: ClinVar variation 979129 (VCV000979129.12), dbSNP rs758751607, ClinGen allele CA030505.